The following is an entry in ClinVar:

NM_001278689.2(EOGT):c.1534G>A (p.Val512Ile)

Gene: EOGT (EGF domain specific O-linked N-acetylglucosamine transferase; minus strand). Cytogenetic location: 3p14.1.
Variant type: single nucleotide variant.
Coding change: c.1534G>A on transcript NM_001278689.2 (MANE Select); coding-DNA position 1534, G replaced by A.
Protein change: p.Val512Ile; replaces valine 512 with isoleucine.
Molecular consequence: missense variant. On other transcripts: non-coding transcript variant (1).
Genome position (GRCh38, 1-based): chr3:68,977,668, C>T on the plus strand (G>A on the coding strand, the complement: EOGT is on the minus strand). VCF-style: chr3-68977668-C-T. GRCh37 (hg19) VCF-style: chr3-69026819-C-T.
Other names: c.1282G>A, p.Val428Ile (NM_173654.3); short protein forms V512I, V428I.
Identifiers: ClinVar variation 1984648 (VCV001984648.4), dbSNP rs562651560, ClinGen allele CA2486560.

ClinVar aggregate classification (germline): Uncertain significance (1 of 4 stars; one submission).

Conditions:
Adams-Oliver syndrome 4 (AOS4). Identifiers: Orphanet 974, MedGen C3809092, MONDO:0014124, OMIM 615297.

Allele frequency attached by ClinVar (database versions not stated): gnomAD exomes 0.00002; ExAC 0.00003; 1000 Genomes Project 0.00020; 1000 Genomes Project 30x 0.00031.
gnomAD v4.1: 26 of 1,613,904 alleles (0.0016%); highest among the groups gnomAD compares: Admixed American, 0.0067%; no homozygotes.

Submission:

Labcorp Genetics (formerly Invitae), Labcorp
Classification: Uncertain significance for Adams-Oliver syndrome 4. Last evaluated: 2022-04-11. Review status: criteria provided, single submitter. Criteria: Invitae Variant Classification Sherloc (09022015). Collection method: clinical testing. Allele origin: germline.
Comment: In summary, the available evidence is currently insufficient to determine the role of this variant in disease. Therefore, it has been classified as a Variant of Uncertain Significance. Algorithms developed to predict the effect of missense changes on protein structure and function output the following: SIFT: "Tolerated"; PolyPhen-2: "Benign"; Align-GVGD: "Class C0". The isoleucine amino acid residue is found in multiple mammalian species, which suggests that this missense change does not adversely affect protein function. This variant has not been reported in the literature in individuals affected with EOGT-related conditions. This variant is present in population databases (rs562651560, gnomAD 0.006%). This sequence change replaces valine, which is neutral and non-polar, with isoleucine, which is neutral and non-polar, at codon 428 of the EOGT protein (p.Val428Ile).